The following is an entry in ClinVar:

ClinVar aggregate classification (germline): Uncertain significance. Review status: criteria provided, multiple submitters, no conflicts (2 of 4 stars). 3 submissions from 3 submitters: Uncertain significance (3). Last evaluated 2025-06-23.

Conditions:
Cardiovascular phenotype. Identifiers: MedGen CN230736.
Long QT syndrome (LQTS). Identifiers: MedGen C0023976, MeSH D008133, MONDO:0002442. Disease mechanism: loss of function. Inheritance: Various modes of inheritance.

Allele frequency attached by ClinVar (database versions not stated): gnomAD exomes below 0.00001.
gnomAD v4.1: 1 of 1,611,992 alleles (0.000062%); highest among the groups gnomAD compares: Non-Finnish European, 0.000085%; no homozygotes.

Submissions (3):

Ambry Genetics
Classification: Uncertain significance for Cardiovascular phenotype. Last evaluated: 2025-06-23. Review status: criteria provided, single submitter. Criteria: Ambry Variant Classification Scheme 2023. Collection method: clinical testing. Allele origin: germline.
Comment: The p.F551S variant (also known as c.1652T>C), located in coding exon 7 of the KCNH2 gene, results from a T to C substitution at nucleotide position 1652. The phenylalanine at codon 551 is replaced by serine, an amino acid with highly dissimilar properties. This alteration has been reported in an arrhythmia genetic testing cohort; however, clinical details were limited (Bennett JS et al. Pediatr Cardiol, 2019 Dec;40:1679-1687). This amino acid position is well conserved in available vertebrate species. In addition, this alteration is predicted to be deleterious by in silico analysis. Based on the available evidence, the clinical significance of this variant remains unclear.

Labcorp Genetics (formerly Invitae), Labcorp
Classification: Uncertain significance for Long QT syndrome. Last evaluated: 2025-01-19. Review status: criteria provided, single submitter. Criteria: Invitae Variant Classification Sherloc (09022015). Collection method: clinical testing. Allele origin: germline.
Comment: This sequence change replaces phenylalanine, which is neutral and non-polar, with serine, which is neutral and polar, at codon 551 of the KCNH2 protein (p.Phe551Ser). This variant is not present in population databases (gnomAD no frequency). This missense change has been observed in individuals with a prolonged QT interval (PMID: 31535183; internal data). ClinVar contains an entry for this variant (Variation ID: 392546). An algorithm developed to predict the effect of missense changes on protein structure and function (PolyPhen-2) suggests that this variant is likely to be disruptive. In summary, the available evidence is currently insufficient to determine the role of this variant in disease. Therefore, it has been classified as a Variant of Uncertain Significance.

GeneDx
Classification: Uncertain significance. Last evaluated: 2017-01-11. Review status: criteria provided, single submitter. Criteria: GeneDx Variant Classification (06012015). Collection method: clinical testing. Allele origin: germline. Affected: yes.
Comment: A variant of uncertain significance has been identified in the KCNH2 gene. The F551S variant has not been published as a pathogenic variant, nor has it been reported as a benign variant to our knowledge. This variant was not observed in approximately 6,500 individuals of European and African American ancestry in the NHLBI Exome Sequencing Project, indicating it is not a common benign variant in these populations. The F551S variant is a non-conservative amino acid substitution, which is likely to impact secondary protein structure as these residues differ in polarity, charge, size and/or other properties. This substitution occurs at a position where only amino acids with similar properties to phenylalanine are tolerated across species. Furthermore, in silico analysis predicts this variant is probably damaging to the protein structure/function. However, this variant lacks observation in a significant number of affected individuals, segregation data, and functional evidence, which would further clarify its pathogenicity.

Literature cited by the submitters: PubMed 31535183 (cited by Ambry Genetics and Labcorp Genetics (formerly Invitae), Labcorp).

NM_000238.4(KCNH2):c.1652T>C (p.Phe551Ser)

Gene: KCNH2 (potassium voltage-gated channel subfamily H member 2; minus strand). Cytogenetic location: 7q36.1.
Variant type: single nucleotide variant.
Coding change: c.1652T>C on transcript NM_000238.4 (MANE Select); coding-DNA position 1652, T replaced by C.
Protein change: p.Phe551Ser; replaces phenylalanine 551 with serine.
Molecular consequence: missense variant.
Genome position (GRCh38, 1-based): chr7:150,951,741, A>G on the plus strand (T>C on the coding strand, the complement: KCNH2 is on the minus strand). VCF-style: chr7-150951741-A-G. GRCh37 (hg19) VCF-style: chr7-150648829-A-G.
Other names: c.632T>C, p.Phe211Ser (NM_001204798.2, NM_172057.3); c.1364T>C, p.Phe455Ser (NM_001406753.1, NM_001406756.1); c.1475T>C, p.Phe492Ser (NM_001406755.1); c.1352T>C, p.Phe451Ser (NM_001406757.1); c.1652T>C, p.Phe551Ser (NM_172056.3); short protein forms F211S, F551S, F492S, F451S, F455S.
Identifiers: ClinVar variation 392546 (VCV000392546.15), dbSNP rs1057524535, ClinGen allele CA16605172.